The following is an entry in ClinVar:

ClinVar aggregate classification (germline): Uncertain significance (1 of 4 stars; one submission).

Conditions:
Neurofibromatosis, type 1 (NF1). Also called: NEUROFIBROMATOSIS, TYPE I, SOMATIC; VON RECKLINGHAUSEN DISEASE; Peripheral type neurofibromatosis; Neurofibromatosis, type I. Identifiers: Orphanet 636, MedGen C0027831, MONDO:0018975, OMIM 162200. Disease mechanism: loss of function.

Submission:

Labcorp Genetics (formerly Invitae), Labcorp
Classification: Uncertain significance for Neurofibromatosis, type 1. Last evaluated: 2024-07-08. Review status: criteria provided, single submitter. Criteria: Invitae Variant Classification Sherloc (09022015). Collection method: clinical testing. Allele origin: germline.
Comment: This sequence change replaces glutamic acid, which is acidic and polar, with glutamine, which is neutral and polar, at codon 1220 of the NF1 protein (p.Glu1220Gln). This variant is not present in population databases (gnomAD no frequency). This variant has not been reported in the literature in individuals affected with NF1-related conditions. ClinVar contains an entry for this variant (Variation ID: 1460627). Advanced modeling of protein sequence and biophysical properties (such as structural, functional, and spatial information, amino acid conservation, physicochemical variation, residue mobility, and thermodynamic stability) performed at Invitae indicates that this missense variant is expected to disrupt NF1 protein function with a positive predictive value of 95%. In summary, the available evidence is currently insufficient to determine the role of this variant in disease. Therefore, it has been classified as a Variant of Uncertain Significance.

NM_001042492.3(NF1):c.3658G>C (p.Glu1220Gln)

Gene: NF1 (neurofibromin 1; plus strand). Cytogenetic location: 17q11.2.
Variant type: single nucleotide variant.
Coding change: c.3658G>C on transcript NM_001042492.3 (MANE Select); coding-DNA position 3658, G replaced by C.
Protein change: p.Glu1220Gln; replaces glutamic acid 1220 with glutamine.
Molecular consequence: missense variant.
Genome position (GRCh38, 1-based): chr17:31,233,163, G>C. VCF-style: chr17-31233163-G-C. GRCh37 (hg19) VCF-style: chr17-29560181-G-C.
Other names: c.3658G>C, p.Glu1220Gln (NM_000267.4); short protein forms E1220Q.
Identifiers: ClinVar variation 1460627 (VCV001460627.6), dbSNP rs1597720155, ClinGen allele CA398990500.